The following is an entry in ClinVar:

NM_005609.4(PYGM):c.552_556del (p.Tyr186fs)

Gene: PYGM (glycogen phosphorylase, muscle associated; minus strand). Cytogenetic location: 11q13.1.
Variant type: Deletion.
Coding change: c.552_556del on transcript NM_005609.4 (MANE Select); coding-DNA positions 552 to 556, 5 bases deleted (TCGCT; older notation c.552_556delTCGCT).
Protein change: p.Tyr186fs; shifts the reading frame from tyrosine 186.
Molecular consequence: frameshift variant.
Genome position (GRCh38, 1-based): chr11:64,757,883-64,757,887, AGCGA deleted on the plus strand (TCGCT on the coding strand, the reverse complement: PYGM is on the minus strand); deleting any 5 consecutive bases within chr11:64,757,883-64,757,890 gives the same sequence; the c. name uses the placement nearest the transcript's 3' end. VCF-style (leftmost placement, unchanged base first): chr11-64757882-TAGCGA-T. GRCh37 (hg19) VCF-style: chr11-64525354-TAGCGA-T.
Other names: c.288_292del, p.Tyr98fs (NM_001164716.1); short protein forms Y186fs, Y98fs.
Identifiers: ClinVar variation 5015292 (VCV005015292.1).
Genomic context (GRCh38, chr11:64,757,882, plus strand): 5'-TGGCCGTAGAAGTGCACAGGTAGCGTGAACTCGGGCCGGGCCTTCTCCCAGGGGTTGCCG[TAGCGA>T]AGCCAGTCATCGGCCTCCTCCATCTGCACCCAAGGCAGGTCAGGGAGAAAGGCCAGCAGT-3'

ClinVar aggregate classification (germline): Pathogenic (1 of 4 stars; one submission).

Conditions:
Glycogen storage disease, type V (GSD5). Also called: MCARDLE DISEASE; MUSCLE GLYCOGEN PHOSPHORYLASE DEFICIENCY; MYOPHOSPHORYLASE DEFICIENCY; PYGM DEFICIENCY; McArdle type glycogen storage disease. Identifiers: Orphanet 368, MedGen C0017924, MONDO:0009293, OMIM 232600.

Submission:

Myriad Genetics, Inc.
Classification: Pathogenic for Glycogen storage disease, type V. Last evaluated: 2025-12-06. Review status: criteria provided, single submitter. Criteria: Myriad Autosomal Dominant, Autosomal Recessive and X-Linked Classification Criteria (2023). Collection method: clinical testing. Allele origin: unknown.
Comment: NM_005609.2(PYGM):c.552_556del5(Y186Qfs*65) is expected to be pathogenic in the context of glycogen storage disease, PYGM-related. This variant is predicted to lead to an abnormal or absent protein product due to the creation of a premature termination codon in PYGM, a gene where loss-of-function variants are known to be pathogenic. Please note: this variant was assessed in the context of healthy population screening.